The following is an entry in ClinVar:

NM_002449.5(MSX2):c.*1178C>T

Gene: MSX2 (msh homeobox 2; plus strand). Cytogenetic location: 5q35.2.
Variant type: single nucleotide variant.
Coding change: c.*1178C>T on transcript NM_002449.5 (MANE Select); 1178 bases downstream of the stop codon, C replaced by T.
Molecular consequence: 3 prime UTR variant.
Genome position (GRCh38, 1-based): chr5:174,730,761, C>T. VCF-style: chr5-174730761-C-T. GRCh37 (hg19) VCF-style: chr5-174157764-C-T.
Other names: c.*1606C>T (NM_001363626.2).
Identifiers: ClinVar variation 906608 (VCV000906608.4), dbSNP rs182072112, ClinGen allele CA132701567.

ClinVar aggregate classification (germline): Benign. Review status: criteria provided, single submitter (1 of 4 stars). 2 submissions from 1 submitter: Benign (2). Last evaluated 2018-01-13.

Conditions:
Parietal foramina 1 (PFM1). Also called: FORAMINA PARIETALIA PERMAGNA; PARIETAL FORAMINA, SYMMETRIC. Identifiers: Orphanet 60015, MedGen C1868599, MONDO:0008197, OMIM 168500.
Craniosynostosis 2 (CRS2). Also called: Warman-Mulliken-Hayward syndrome; Craniosynostosis Warman type; Craniosynostosis Boston type. Identifiers: Orphanet 1541, MedGen C1858160, MONDO:0011481, OMIM 604757.

Allele frequency attached by ClinVar (database versions not stated): gnomAD 0.00021; TOPMed 0.00025; 1000 Genomes Project 30x 0.00047; 1000 Genomes Project 0.00060.
gnomAD v4.1: 31 of 152,712 alleles (0.02%); highest among the groups gnomAD compares: African/African-American, 0.065%; no homozygotes.

Submissions (2):

Illumina Laboratory Services, Illumina
Classification: Benign for Craniosynostosis 2. Last evaluated: 2018-01-13. Review status: criteria provided, single submitter. Criteria: ICSL Variant Classification Criteria 13 December 2019. Collection method: clinical testing. Allele origin: germline.
Comment: This variant was observed in the ICSL laboratory as part of a predisposition screen in an ostensibly healthy population. It had not been previously curated by ICSL or reported in the Human Gene Mutation Database (HGMD: prior to June 1st, 2018), and was therefore a candidate for classification through an automated scoring system. Utilizing variant allele frequency, disease prevalence and penetrance estimates, and inheritance mode, an automated score was calculated to assess if this variant is too frequent to cause the disease. Based on the score and internal cut-off values, a variant classified as benign is not then subjected to further curation. The score for this variant resulted in a classification of benign for this disease.

Illumina Laboratory Services, Illumina
Classification: Benign for Parietal foramina 1. Last evaluated: 2018-01-13. Review status: criteria provided, single submitter. Criteria: ICSL Variant Classification Criteria 13 December 2019. Collection method: clinical testing. Allele origin: germline.
Comment: the same text as in the submission from Illumina Laboratory Services, Illumina above.